The following is an entry in ClinVar:

NM_000392.5(ABCC2):c.807_808delinsCT (p.Gly270Ter)

Gene: ABCC2 (ATP binding cassette subfamily C member 2; plus strand). Cytogenetic location: 10q24.2.
Variant type: Indel.
Coding change: c.807_808delinsCT on transcript NM_000392.5 (MANE Select); coding-DNA positions 807 to 808, TG replaced by CT.
Protein change: p.Gly270Ter; replaces glycine 270 with a stop codon.
Molecular consequence: nonsense.
Genome position (GRCh38, 1-based): chr10:99,797,271-99,797,272, TG replaced by CT. VCF-style: chr10-99797271-TG-CT. GRCh37 (hg19) VCF-style: chr10-101557028-TG-CT.
Other names: short protein forms G270*.
Identifiers: ClinVar variation 2001444 (VCV002001444.5), dbSNP rs2492860078, ClinGen allele CA2580082547.

ClinVar aggregate classification (germline): Pathogenic/Likely pathogenic. Review status: criteria provided, multiple submitters, no conflicts (2 of 4 stars). 2 submissions from 2 submitters: Pathogenic (1); Likely pathogenic (1). Last evaluated 2024-04-15.

Conditions:
Dubin-Johnson syndrome (DJS). Also called: Hyperbilirubinemia type 2; HYPERBILIRUBINEMIA, DUBIN-JOHNSON TYPE; Jaundice, Chronic Idiopathic. Identifiers: Orphanet 234, MedGen C0022350, MONDO:0009380, OMIM 237500.

Submissions (2):

Fulgent Genetics
Classification: Likely pathogenic for Dubin-Johnson syndrome. Last evaluated: 2024-04-15. Review status: criteria provided, single submitter. Criteria: ACMG Guidelines, 2015. Collection method: clinical testing. Allele origin: germline.

Labcorp Genetics (formerly Invitae), Labcorp
Classification: Pathogenic. Last evaluated: 2023-10-13. Review status: criteria provided, single submitter. Criteria: Invitae Variant Classification Sherloc (09022015). Collection method: clinical testing. Allele origin: germline.
Comment: This sequence change creates a premature translational stop signal (p.Gly270*) in the ABCC2 gene. It is expected to result in an absent or disrupted protein product. Loss-of-function variants in ABCC2 are known to be pathogenic (PMID: 9185779, 16549534, 16952291). Information on the frequency of this variant in the gnomAD database is not available, as this variant may be reported differently in the database. This variant has not been reported in the literature in individuals affected with ABCC2-related conditions. ClinVar contains an entry for this variant (Variation ID: 2001444). For these reasons, this variant has been classified as Pathogenic.

Literature cited by the submitters: PubMed 9185779 (cited by Labcorp Genetics (formerly Invitae), Labcorp); PubMed 16549534 (cited by Labcorp Genetics (formerly Invitae), Labcorp); PubMed 16952291 (cited by Labcorp Genetics (formerly Invitae), Labcorp).